The following is an entry in ClinVar:

NM_017636.4(TRPM4):c.859C>T (p.Arg287Ter)

Gene: TRPM4 (transient receptor potential cation channel subfamily M member 4; plus strand). Cytogenetic location: 19q13.33.
Variant type: single nucleotide variant.
Coding change: c.859C>T on transcript NM_017636.4 (MANE Select); coding-DNA position 859, C replaced by T.
Protein change: p.Arg287Ter; replaces arginine 287 with a stop codon.
Molecular consequence: nonsense. On other transcripts: 5 prime UTR variant (1).
Genome position (GRCh38, 1-based): chr19:49,171,578, C>T. VCF-style: chr19-49171578-C-T. GRCh37 (hg19) VCF-style: chr19-49674835-C-T.
Other names: c.859C>T, p.Arg287Ter (NM_001195227.2); c.514C>T, p.Arg172Ter (NM_001321281.2); c.-695C>T (NM_001321282.2); c.337C>T, p.Arg113Ter (NM_001321283.2); c.10C>T, p.Arg4Ter (NM_001321285.2); short protein forms R287*, R4*, R113*, R172*.
Identifiers: ClinVar variation 1763974 (VCV001763974.9), dbSNP rs776917960, ClinGen allele CA9569001.

ClinVar aggregate classification (germline): Uncertain significance. Review status: criteria provided, multiple submitters, no conflicts (2 of 4 stars). 4 submissions from 4 submitters: Uncertain significance (4). Last evaluated 2025-12-26.

Conditions:
Cardiovascular phenotype. Identifiers: MedGen CN230736.
Progressive familial heart block type IB (PFHB1B). Identifiers: Orphanet 871, MedGen C1970298, MONDO:0011474, OMIM 604559.
TRPM4-related disorder. Also called: TRPM4-related condition; TRPM4-related disorders. Identifiers: MedGen CN239424.

Allele frequency attached by ClinVar (database versions not stated): gnomAD 0.00001; TOPMed 0.00002; ExAC 0.00003.
gnomAD v4.1: 34 of 1,613,870 alleles (0.0021%); highest among the groups gnomAD compares: East Asian, 0.0045%; no homozygotes.

Submissions (4):

Labcorp Genetics (formerly Invitae), Labcorp
Classification: Uncertain significance for Progressive familial heart block type IB. Last evaluated: 2025-12-26. Review status: criteria provided, single submitter. Criteria: Invitae Variant Classification Sherloc (09022015). Collection method: clinical testing. Allele origin: germline.
Comment: This sequence change creates a premature translational stop signal (p.Arg287*) in the TRPM4 gene. It is expected to result in an absent or disrupted protein product. However, the current clinical and genetic evidence is not sufficient to establish whether loss-of-function variants in TRPM4 cause disease. This variant is present in population databases (rs776917960, gnomAD 0.006%). This variant has not been reported in the literature in individuals affected with TRPM4-related conditions. ClinVar contains an entry for this variant (Variation ID: 1763974). In summary, the available evidence is currently insufficient to determine the role of this variant in disease. Therefore, it has been classified as a Variant of Uncertain Significance.

Genomic Medicine Center of Excellence, King Faisal Specialist Hospital and Research Centre
Classification: Uncertain significance for Progressive familial heart block type IB. Last evaluated: 2024-12-18. Review status: criteria provided, single submitter. Criteria: ACMG Guidelines, 2015. Collection method: clinical testing. Allele origin: germline.

PreventionGenetics, part of Exact Sciences
Classification: Uncertain significance for TRPM4-related condition. Last evaluated: 2024-12-04. Review status: criteria provided, single submitter. Criteria: ACMG Guidelines, 2015. Collection method: clinical testing. Allele origin: germline.
Comment: The TRPM4 c.859C>T variant is predicted to result in premature protein termination (p.Arg287*). To our knowledge, this variant has not been reported in the literature. This variant is reported in 0.0063% of alleles in individuals of African descent in gnomAD. Although we suspect that this variant may be pathogenic, at this time, the clinical significance of this variant is uncertain due to the absence of conclusive functional and genetic evidence.

Ambry Genetics
Classification: Uncertain significance for Cardiovascular phenotype. Last evaluated: 2020-08-03. Review status: criteria provided, single submitter. Criteria: Ambry Variant Classification Scheme 2023. Collection method: clinical testing. Allele origin: germline.
Comment: The p.R287* variant (also known as c.859C>T), located in coding exon 8 of the TRPM4 gene, results from a C to T substitution at nucleotide position 859. This changes the amino acid from an arginine to a stop codon within coding exon 8. This alteration is expected to result in premature protein truncation or nonsense-mediated mRNA decay. However, loss of function of TRPM4 has not been clearly established as a mechanism of disease. Since supporting evidence is limited at this time, the clinical significance of this alteration remains unclear.